The following is an entry in ClinVar:

NM_000038.6(APC):c.4069G>T (p.Gly1357Ter)

Gene: APC (APC regulator of Wnt signaling pathway; plus strand). Cytogenetic location: 5q22.2.
Variant type: single nucleotide variant.
Coding change: c.4069G>T on transcript NM_000038.6 (MANE Select); coding-DNA position 4069, G replaced by T.
Protein change: p.Gly1357Ter; replaces glycine 1357 with a stop codon.
Molecular consequence: nonsense. On other transcripts: non-coding transcript variant (2).
Genome position (GRCh38, 1-based): chr5:112,839,663, G>T. VCF-style: chr5-112839663-G-T. GRCh37 (hg19) VCF-style: chr5-112175360-G-T.
Other names: c.4069G>T, p.Gly1357Ter (NM_001127510.3, NM_001354895.2, NM_001407450.1); c.4015G>T, p.Gly1339Ter (NM_001127511.3); c.4123G>T, p.Gly1375Ter (NM_001354896.2, NM_001407447.1, NM_001407448.1 and 1 more transcripts); c.4099G>T, p.Gly1367Ter (NM_001354897.2); c.3994G>T, p.Gly1332Ter (NM_001354898.2); c.3985G>T, p.Gly1329Ter (NM_001354899.2); c.3946G>T, p.Gly1316Ter (NM_001354900.2); c.3892G>T, p.Gly1298Ter (NM_001354901.2, NM_001407453.1); and 11 more; short protein forms G1197*, G1228*, G1339*, G1231*, G1256*, G1274*, G1316*, G1329*.
Identifiers: ClinVar variation 3304139 (VCV003304139.1).

ClinVar aggregate classification (germline): Pathogenic (1 of 4 stars; one submission).

Conditions:
Hereditary cancer-predisposing syndrome. Also called: Tumor predisposition; Hereditary Cancer Syndrome; Hereditary neoplastic syndrome; Neoplastic Syndromes, Hereditary. Identifiers: Orphanet 140162, MedGen C0027672, MeSH D009386, MONDO:0015356.

Submission:

Ambry Genetics
Classification: Pathogenic for Hereditary cancer-predisposing syndrome. Last evaluated: 2024-03-28. Review status: criteria provided, single submitter. Criteria: Ambry Variant Classification Scheme 2023. Collection method: clinical testing. Allele origin: germline.
Comment: The p.G1357* pathogenic mutation (also known as c.4069G>T), located in coding exon 15 of the APC gene, results from a G to T substitution at nucleotide position 4069. This changes the amino acid from a glycine to a stop codon within coding exon 15. This variant was reported in multiple individuals with features consistent with APC-associated polyposis conditions (Miclea RL et al. J Bone Miner Res. 2010 Dec;25:2624-32; van der Luijt RB et al. Hum Mutat, 1997;9:7-16; Ambry internal data). This variant is considered to be rare based on population cohorts in the Genome Aggregation Database (gnomAD). This alteration is expected to result in loss of function by premature protein truncation or nonsense-mediated mRNA decay. As such, this alteration is interpreted as a disease-causing mutation.

Literature cited by the submitters: PubMed 20564245; PubMed 8990002.